The following is an entry in ClinVar:

NM_006831.3(CLP1):c.284A>G (p.Asn95Ser)

Gene: CLP1 (cleavage factor polyribonucleotide kinase subunit 1; plus strand). Cytogenetic location: 11q12.1.
Variant type: single nucleotide variant.
Coding change: c.284A>G on transcript NM_006831.3 (MANE Select); coding-DNA position 284, A replaced by G.
Protein change: p.Asn95Ser; replaces asparagine 95 with serine.
Molecular consequence: missense variant.
Genome position (GRCh38, 1-based): chr11:57,659,760, A>G. VCF-style: chr11-57659760-A-G. GRCh37 (hg19) VCF-style: chr11-57427232-A-G.
Other names: c.284A>G, p.Asn95Ser (NM_001142597.2); short protein forms N95S.
Identifiers: ClinVar variation 2055712 (VCV002055712.4), dbSNP rs200951285, ClinGen allele CA6008492.

ClinVar aggregate classification (germline): Uncertain significance. Review status: criteria provided, multiple submitters, no conflicts (2 of 4 stars). 2 submissions from 2 submitters: Uncertain significance (2). Last evaluated 2024-10-24.

Conditions:
Inborn genetic diseases. Identifiers: MedGen C0950123, MeSH D030342.

Allele frequency attached by ClinVar (database versions not stated): gnomAD exomes 0.00013; 1000 Genomes Project 30x 0.00016; 1000 Genomes Project 0.00020; ExAC 0.00026; gnomAD 0.00026; TOPMed 0.00036.
gnomAD v4.1: 234 of 1,614,180 alleles (0.014%); highest among the groups gnomAD compares: Admixed American, 0.05%; no homozygotes.

Submissions (2):

Labcorp Genetics (formerly Invitae), Labcorp
Classification: Uncertain significance. Last evaluated: 2024-10-24. Review status: criteria provided, single submitter. Criteria: Invitae Variant Classification Sherloc (09022015). Collection method: clinical testing. Allele origin: germline.
Comment: This sequence change replaces asparagine, which is neutral and polar, with serine, which is neutral and polar, at codon 95 of the CLP1 protein (p.Asn95Ser). This variant is present in population databases (rs200951285, gnomAD 0.03%). This variant has not been reported in the literature in individuals affected with CLP1-related conditions. ClinVar contains an entry for this variant (Variation ID: 2055712). Invitae Evidence Modeling of protein sequence and biophysical properties (such as structural, functional, and spatial information, amino acid conservation, physicochemical variation, residue mobility, and thermodynamic stability) has been performed for this missense variant. However, the output from this modeling did not meet the statistical confidence thresholds required to predict the impact of this variant on CLP1 protein function. In summary, the available evidence is currently insufficient to determine the role of this variant in disease. Therefore, it has been classified as a Variant of Uncertain Significance.

Ambry Genetics
Classification: Uncertain significance for Inborn genetic diseases. Last evaluated: 2020-12-21. Review status: criteria provided, single submitter. Criteria: Ambry Variant Classification Scheme 2023. Collection method: clinical testing. Allele origin: germline.
Comment: The c.284A>G (p.N95S) alteration is located in exon 2 (coding exon 1) of the CLP1 gene. This alteration results from a A to G substitution at nucleotide position 284, causing the asparagine (N) at amino acid position 95 to be replaced by a serine (S). The p.N95S alteration is predicted to be tolerated by in silico analysis. Based on insufficient or conflicting evidence, the clinical significance of this alteration remains unclear.